The following is an entry in ClinVar:

ClinVar aggregate classification (germline): Uncertain significance. Review status: criteria provided, multiple submitters, no conflicts (2 of 4 stars). 2 submissions from 2 submitters: Uncertain significance (2). Last evaluated 2023-10-22.

Conditions:
Costello syndrome (CSTLO). Also called: HRAS-Related Costello Syndrome; FACIOCUTANEOSKELETAL SYNDROME; FCS SYNDROME. Identifiers: Orphanet 3071, MedGen C0587248, MONDO:0009026, OMIM 218040.

Submissions (2):

Labcorp Genetics (formerly Invitae), Labcorp
Classification: Uncertain significance for Costello syndrome. Last evaluated: 2023-10-22. Review status: criteria provided, single submitter. Criteria: Invitae Variant Classification Sherloc (09022015). Collection method: clinical testing. Allele origin: germline.
Comment: This sequence change replaces alanine, which is neutral and non-polar, with valine, which is neutral and non-polar, at codon 134 of the HRAS protein (p.Ala134Val). This variant is not present in population databases (gnomAD no frequency). This variant has not been reported in the literature in individuals affected with HRAS-related conditions. ClinVar contains an entry for this variant (Variation ID: 45303). Advanced modeling of protein sequence and biophysical properties (such as structural, functional, and spatial information, amino acid conservation, physicochemical variation, residue mobility, and thermodynamic stability) performed at Invitae indicates that this missense variant is expected to disrupt HRAS protein function. In summary, the available evidence is currently insufficient to determine the role of this variant in disease. Therefore, it has been classified as a Variant of Uncertain Significance.

Laboratory for Molecular Medicine, Mass General Brigham Personalized Medicine
Classification: Uncertain significance. Last evaluated: 2013-11-11. Review status: criteria provided, single submitter. Criteria: LMM Criteria. Collection method: clinical testing. Allele origin: germline. Observed: 2 variant alleles.
Comment: A different variant causing a change at this sam e residue, Ala134Ser, has been reported in one individual with acute lymphoblast ic leukemia (ALL, COSMIC database), which may suggest that a change at this amin o acid position is not tolerated. Computational analyses (biochemical amino acid properties, conservation, AlignGVGD, PolyPhen2, and SIFT) suggest that the Ala1 34Val variant may impact the protein. However, this information is not enough to assume pathogenicity. In summary, additional information is needed to fully ass ess the clinical significance of the Ala134Val variant.

NM_005343.4(HRAS):c.401C>T (p.Ala134Val)

Genes: HRAS (HRas proto-oncogene, GTPase; minus strand), LRRC56 (leucine rich repeat containing 56; plus strand). Cytogenetic location: 11p15.5.
Variant type: single nucleotide variant.
Coding change: c.401C>T on transcript NM_005343.4 (MANE Select); coding-DNA position 401, C replaced by T.
Protein change: p.Ala134Val; replaces alanine 134 with valine.
Molecular consequence: missense variant.
Genome position (GRCh38, 1-based): chr11:533,502, G>A on the plus strand (C>T on the coding strand, the complement: HRAS is on the minus strand). VCF-style: chr11-533502-G-A. GRCh37 (hg19) VCF-style: chr11-533502-G-A.
Other names: c.401C>T, p.Ala134Val (NM_001130442.3, NM_176795.5); c.82C>T, p.Pro28Ser (NM_001318054.2); short protein forms A134V, P28S.
Identifiers: ClinVar variation 45303 (VCV000045303.12), dbSNP rs397517141, ClinGen allele CA135986.